The following is an entry in ClinVar:

ClinVar aggregate classification (germline): Likely benign (0 of 4 stars; one submission).

Conditions:
SALL1-related disorder. Also called: SALL1-related condition.

Allele frequency attached by ClinVar (database versions not stated): TOPMed below 0.00001; gnomAD 0.00001.
gnomAD v4.1: 19 of 1,614,062 alleles (0.0012%); highest among the groups gnomAD compares: Non-Finnish European, 0.0016%; no homozygotes.

Submission:

PreventionGenetics, part of Exact Sciences
Classification: Likely benign for SALL1-related condition. Last evaluated: 2021-08-19. Review status: no assertion criteria provided. Collection method: clinical testing. Allele origin: germline.
Comment: This variant is classified as likely benign based on ACMG/AMP sequence variant interpretation guidelines (Richards et al. 2015 PMID: 25741868, with internal and published modifications).

NM_002968.3(SALL1):c.1527C>T (p.Asn509=)

Gene: SALL1 (spalt like transcription factor 1; minus strand). Cytogenetic location: 16q12.1.
Variant type: single nucleotide variant.
Coding change: c.1527C>T on transcript NM_002968.3 (MANE Select); coding-DNA position 1527, C replaced by T.
Protein change: p.Asn509=; no amino-acid change (asparagine 509 retained).
Molecular consequence: synonymous variant.
Genome position (GRCh38, 1-based): chr16:51,140,695, G>A on the plus strand (C>T on the coding strand, the complement: SALL1 is on the minus strand). VCF-style: chr16-51140695-G-A. GRCh37 (hg19) VCF-style: chr16-51174606-G-A.
Other names: c.1236C>T, p.Asn412= (NM_001127892.2).
Identifiers: ClinVar variation 3029554 (VCV003029554.2), dbSNP rs1346104453, ClinGen allele CA495780958.
Genomic context (GRCh38, chr16:51,140,695, plus strand): 5'-GCCATATGGGATGCCAGTACTCGTGGGGATATTGTCCAAATGCTCAGGCACAGGATAGGG[G>A]TTCATCTGGATATGAGGGTATTTCTCTTTGTGGCGCTGAAAGTGGACTTTCAGATTCCCC-3'
Protein context (NP_002959.2, residues 499-519): HKEKYPHIQM[Asn509=]PYPVPEHLDN